The following is an entry in ClinVar:

NM_001034853.2(RPGR):c.2302C>T (p.Arg768Cys)

Gene: RPGR (retinitis pigmentosa GTPase regulator; minus strand). Cytogenetic location: Xp11.4.
Variant type: single nucleotide variant.
Coding change: c.2302C>T on transcript NM_001034853.2 (MANE Select); coding-DNA position 2302, C replaced by T.
Protein change: p.Arg768Cys; replaces arginine 768 with cysteine.
Molecular consequence: missense variant. On other transcripts: intron variant (8).
Genome position (GRCh38, 1-based): chrX:38,286,697, G>A on the plus strand (C>T on the coding strand, the complement: RPGR is on the minus strand). VCF-style: chrX-38286697-G-A. GRCh37 (hg19) VCF-style: chrX-38145950-G-A.
Other names: c.1569+4262C>T (NM_001367249.1, NM_001367250.1); c.1902+397C>T (NM_001367245.1); c.1386+4262C>T (NM_001367251.1); c.1719+397C>T (NM_001367246.1); c.1572+4262C>T (NM_001367247.1); c.1905+397C>T (NM_000328.3); c.1602+4262C>T (NM_001367248.1); short protein forms R768C.
Identifiers: ClinVar variation 2199275 (VCV002199275.4), dbSNP rs1321272383, ClinGen allele CA412730964.

ClinVar aggregate classification (germline): Uncertain significance (1 of 4 stars; one submission).

Conditions:
Primary ciliary dyskinesia. Also called: Ciliary dyskinesia. Identifiers: Orphanet 244, MedGen C0008780, MONDO:0016575, HP:0012265.

Allele frequency attached by ClinVar (database versions not stated): gnomAD exomes 0.00001; gnomAD 0.00002; 1000 Genomes Project 30x 0.00021.
gnomAD v4.1: 12 of 1,082,367 alleles (0.0011%); highest among the groups gnomAD compares: Non-Finnish European, 0.0012%; no homozygotes.

Submission:

Labcorp Genetics (formerly Invitae), Labcorp
Classification: Uncertain significance for Primary ciliary dyskinesia. Last evaluated: 2022-08-30. Review status: criteria provided, single submitter. Criteria: Invitae Variant Classification Sherloc (09022015). Collection method: clinical testing. Allele origin: germline.
Comment: In summary, the available evidence is currently insufficient to determine the role of this variant in disease. Therefore, it has been classified as a Variant of Uncertain Significance. Experimental studies and prediction algorithms are not available or were not evaluated, and the functional significance of this variant is currently unknown. This variant has not been reported in the literature in individuals affected with RPGR (ORF15)-related conditions. This variant is present in population databases (no rsID available, gnomAD 0.003%). This sequence change replaces arginine, which is basic and polar, with cysteine, which is neutral and slightly polar, at codon 768 of the RPGR (ORF15) protein (p.Arg768Cys).